The following is an entry in ClinVar:

ClinVar aggregate classification (germline): Uncertain significance (1 of 4 stars; one submission).

Conditions:
Aortic aneurysm, familial thoracic 4 (AAT4). Also called: AORTIC ANEURYSM/AORTIC DISSECTION AND PATENT DUCTUS ARTERIOSUS. Identifiers: MedGen C1851504, MONDO:0007568, OMIM 132900.

gnomAD v4.1: 2 of 1,614,220 alleles (0.00012%); highest among the groups gnomAD compares: Non-Finnish European, 0.00017%; no homozygotes.

Submission:

Labcorp Genetics (formerly Invitae), Labcorp
Classification: Uncertain significance for Aortic aneurysm, familial thoracic 4. Last evaluated: 2025-03-30. Review status: criteria provided, single submitter. Criteria: Invitae Variant Classification Sherloc (09022015). Collection method: clinical testing. Allele origin: germline.
Comment: This sequence change replaces glutamine, which is neutral and polar, with histidine, which is basic and polar, at codon 1836 of the MYH11 protein (p.Gln1836His). This variant is not present in population databases (gnomAD no frequency). This variant has not been reported in the literature in individuals affected with MYH11-related conditions. Invitae Evidence Modeling of protein sequence and biophysical properties (such as structural, functional, and spatial information, amino acid conservation, physicochemical variation, residue mobility, and thermodynamic stability) indicates that this missense variant is not expected to disrupt MYH11 protein function with a negative predictive value of 95%. In summary, the available evidence is currently insufficient to determine the role of this variant in disease. Therefore, it has been classified as a Variant of Uncertain Significance.

NM_002474.3(MYH11):c.5487G>C (p.Gln1829His)

Genes: NDE1 (nudE neurodevelopment protein 1; plus strand), MYH11 (myosin heavy chain 11; minus strand). Cytogenetic location: 16p13.11.
Variant type: single nucleotide variant.
Coding change: c.5487G>C on transcript NM_002474.3 (MANE Select); coding-DNA position 5487, G replaced by C.
Protein change: p.Gln1829His; replaces glutamine 1829 with histidine.
Molecular consequence: missense variant. On other transcripts: intron variant (2).
Genome position (GRCh38, 1-based): chr16:15,717,157, C>G on the plus strand (G>C on the coding strand, the complement: MYH11 is on the minus strand). VCF-style: chr16-15717157-C-G. GRCh37 (hg19) VCF-style: chr16-15811014-C-G.
Other names: c.5508G>C, p.Gln1836His (NM_001040113.2, NM_001040114.2); c.5487G>C, p.Gln1829His (NM_022844.3); c.948-7034C>G (NM_001143979.2, NM_017668.3); short protein forms Q1836H, Q1829H.
Identifiers: ClinVar variation 4746621 (VCV004746621.1).